The following is an entry in ClinVar:

ClinVar aggregate classification (germline): Uncertain significance (1 of 4 stars; one submission).

Submission:

Labcorp Genetics (formerly Invitae), Labcorp
Classification: Uncertain significance. Last evaluated: 2025-01-18. Review status: criteria provided, single submitter. Criteria: Invitae Variant Classification Sherloc (09022015). Collection method: clinical testing. Allele origin: germline.
Comment: This sequence change replaces leucine, which is neutral and non-polar, with proline, which is neutral and non-polar, at codon 14 of the GPR45 protein (p.Leu14Pro). This variant is not present in population databases (gnomAD no frequency). This variant has not been reported in the literature in individuals affected with GPR45-related conditions. An algorithm developed to predict the effect of missense changes on protein structure and function (PolyPhen-2) suggests that this variant is likely to be tolerated. In summary, the available evidence is currently insufficient to determine the role of this variant in disease. Therefore, it has been classified as a Variant of Uncertain Significance.

NM_007227.3(GPR45):c.41T>C (p.Leu14Pro)

Gene: GPR45 (G protein-coupled receptor 45; plus strand). Cytogenetic location: 2q12.1.
Variant type: single nucleotide variant.
Coding change: c.41T>C on transcript NM_007227.3 (MANE Select); coding-DNA position 41, T replaced by C.
Protein change: p.Leu14Pro; replaces leucine 14 with proline.
Molecular consequence: missense variant.
Genome position (GRCh38, 1-based): chr2:105,241,899, T>C. VCF-style: chr2-105241899-T-C. GRCh37 (hg19) VCF-style: chr2-105858356-T-C.
Other names: short protein forms L14P.
Identifiers: ClinVar variation 3685258 (VCV003685258.2).